The following is an entry in ClinVar:

NM_004320.6(ATP2A1):c.2083G>A (p.Asp695Asn)

Gene: ATP2A1 (ATPase sarcoplasmic/endoplasmic reticulum Ca2+ transporting 1; plus strand). Cytogenetic location: 16p11.2.
Variant type: single nucleotide variant.
Coding change: c.2083G>A on transcript NM_004320.6 (MANE Select); coding-DNA position 2083, G replaced by A.
Protein change: p.Asp695Asn; replaces aspartic acid 695 with asparagine.
Molecular consequence: missense variant.
Genome position (GRCh38, 1-based): chr16:28,900,899, G>A. VCF-style: chr16-28900899-G-A. GRCh37 (hg19) VCF-style: chr16-28912220-G-A.
Other names: c.2083G>A (NM_173201.3); c.1708G>A, p.Asp570Asn (NM_001286075.2); c.2083G>A, p.Asp695Asn (NM_173201.5); short protein forms D570N, D695N.
Identifiers: ClinVar variation 1470753 (VCV001470753.10), dbSNP rs986202909, ClinGen allele CA279240525.
Genomic context (GRCh38, chr16:28,900,899, plus strand): 5'-TGCTTCGCCCGTGTGGAGCCCTCGCACAAGTCCAAGATTGTGGAGTACCTGCAGTCCTAC[G>A]ATGAGATCACAGCCATGGTGAGAGGGCCCAGGCAGCTGCAGCCTTAGTGTCCACGGAGAT-3'
Protein context (NP_004311.1, residues 685-705): SKIVEYLQSY[Asp695Asn]EITAMTGDGV

ClinVar aggregate classification (germline): Uncertain significance. Review status: criteria provided, multiple submitters, no conflicts (2 of 4 stars). 2 submissions from 2 submitters: Uncertain significance (2). Last evaluated 2023-05-23.

Conditions:
Brody myopathy. Also called: BRODY DISEASE. Identifiers: Orphanet 53347, MedGen C1832918, MONDO:0010977, OMIM 601003.
Inborn genetic diseases. Identifiers: MedGen C0950123, MeSH D030342.

Allele frequency attached by ClinVar (database versions not stated): gnomAD exomes below 0.00001 and 0.00001; gnomAD 0.00001; TOPMed 0.00002.
gnomAD v4.1: 16 of 1,614,026 alleles (0.00099%); highest among the groups gnomAD compares: Admixed American, 0.0033%; no homozygotes.

Submissions (2):

Ambry Genetics
Classification: Uncertain significance for Inborn genetic diseases. Last evaluated: 2023-05-23. Review status: criteria provided, single submitter. Criteria: Ambry Variant Classification Scheme 2023. Collection method: clinical testing. Allele origin: germline.

Labcorp Genetics (formerly Invitae), Labcorp
Classification: Uncertain significance for Brody myopathy. Last evaluated: 2022-06-30. Review status: criteria provided, single submitter. Criteria: Invitae Variant Classification Sherloc (09022015). Collection method: clinical testing. Allele origin: germline.
Comment: In summary, the available evidence is currently insufficient to determine the role of this variant in disease. Therefore, it has been classified as a Variant of Uncertain Significance. Algorithms developed to predict the effect of missense changes on protein structure and function are either unavailable or do not agree on the potential impact of this missense change (SIFT: "Tolerated"; PolyPhen-2: "Probably Damaging"; Align-GVGD: "Class C0"). This variant has not been reported in the literature in individuals affected with ATP2A1-related conditions. This variant is present in population databases (no rsID available, gnomAD 0.003%). This sequence change replaces aspartic acid, which is acidic and polar, with asparagine, which is neutral and polar, at codon 695 of the ATP2A1 protein (p.Asp695Asn).